The following is an entry in ClinVar:

ClinVar aggregate classification (germline): Uncertain significance (1 of 4 stars; one submission).

Conditions:
Hereditary cancer-predisposing syndrome. Also called: Hereditary Cancer Syndrome; Tumor predisposition; Hereditary neoplastic syndrome; Neoplastic Syndromes, Hereditary. Identifiers: Orphanet 140162, MedGen C0027672, MeSH D009386, MONDO:0015356.

Submission:

Labcorp Genetics (formerly Invitae), Labcorp
Classification: Uncertain significance for Hereditary cancer-predisposing syndrome. Last evaluated: 2022-08-23. Review status: criteria provided, single submitter. Criteria: Invitae Variant Classification Sherloc (09022015). Collection method: clinical testing. Allele origin: germline.
Comment: This variant is not present in population databases (gnomAD no frequency). This sequence change replaces serine, which is neutral and polar, with phenylalanine, which is neutral and non-polar, at codon 162 of the RAD50 protein (p.Ser162Phe). This variant has not been reported in the literature in individuals affected with RAD50-related conditions. In summary, the available evidence is currently insufficient to determine the role of this variant in disease. Therefore, it has been classified as a Variant of Uncertain Significance. Algorithms developed to predict the effect of missense changes on protein structure and function (SIFT, PolyPhen-2, Align-GVGD) all suggest that this variant is likely to be disruptive. ClinVar contains an entry for this variant (Variation ID: 1411517).

NM_005732.4(RAD50):c.485C>T (p.Ser162Phe)

Gene: RAD50 (RAD50 double strand break repair protein; plus strand). Cytogenetic location: 5q31.1.
Variant type: single nucleotide variant.
Coding change: c.485C>T on transcript NM_005732.4 (MANE Select); coding-DNA position 485, C replaced by T.
Protein change: p.Ser162Phe; replaces serine 162 with phenylalanine.
Molecular consequence: missense variant.
Genome position (GRCh38, 1-based): chr5:132,579,436, C>T. VCF-style: chr5-132579436-C-T. GRCh37 (hg19) VCF-style: chr5-131915128-C-T.
Other names: short protein forms S162F.
Identifiers: ClinVar variation 1411517 (VCV001411517.6), dbSNP rs1750464061, ClinGen allele CA360934547.